The following is an entry in ClinVar:

NM_015175.3(NBEAL2):c.4485-8C>T

Gene: NBEAL2 (neurobeachin like 2; plus strand). Cytogenetic location: 3p21.31.
Variant type: single nucleotide variant.
Coding change: c.4485-8C>T on transcript NM_015175.3 (MANE Select); 8 bases into the intron before coding-DNA position 4485, C replaced by T.
Molecular consequence: intron variant.
Genome position (GRCh38, 1-based): chr3:47,001,271, C>T. VCF-style: chr3-47001271-C-T. GRCh37 (hg19) VCF-style: chr3-47042761-C-T.
Other names: p.?; c.4383-8C>T (NM_001365116.2).
Identifiers: ClinVar variation 435926 (VCV000435926.18), dbSNP rs145760682, ClinGen allele CA2361262.
Genomic context (GRCh38, chr3:47,001,271, plus strand): 5'-TCAGGAAGCCTCGGGGGAAGGAGAGAAGATAGTCAGGTAGACCCTTGAGTTCCCCACTCA[C>T]CCGCCAGCCTCCTGGAGATGATGCTGGAGTCAGCCCTGACCGACATCAAAGAGGCCCCCG-3'

ClinVar aggregate classification (germline): Conflicting classifications of pathogenicity. Review status: criteria provided, conflicting classifications (1 of 4 stars). 6 submissions from 6 submitters: Uncertain significance (1); Benign (1); Likely benign (3). 1 of the submissions does not count toward it. Last evaluated 2026-01-03.

Conditions:
NBEAL2-related disorder. Also called: NBEAL2-related condition.
Gray platelet syndrome (GPS). Also called: BLEEDING DISORDER, PLATELET-TYPE, 4. Identifiers: Orphanet 721, MedGen C0272302, MONDO:0007686, OMIM 139090.

Allele frequency attached by ClinVar (database versions not stated): 1000 Genomes Project 0.00240; 1000 Genomes Project 30x 0.00250; ExAC 0.00298; gnomAD exomes 0.00301 and 0.00491; gnomAD 0.00340 and 0.00350; TOPMed 0.00394; ESP Exome Variant Server 0.00427.
gnomAD v4.1: 7,651 of 1,602,400 alleles (0.48%); highest among the groups gnomAD compares: Non-Finnish European, 0.59%; 30 homozygotes.

Submissions (6):

Labcorp Genetics (formerly Invitae), Labcorp
Classification: Benign. Last evaluated: 2026-01-03. Review status: criteria provided, single submitter. Criteria: Invitae Variant Classification Sherloc (09022015). Collection method: clinical testing. Allele origin: germline.

Blueprint Genetics
Classification: Likely benign. Last evaluated: 2024-11-25. Review status: criteria provided, single submitter. Criteria: ACMG Guidelines, 2015. Collection method: clinical testing. Allele origin: germline.

Mayo Clinic Laboratories, Mayo Clinic
Classification: Likely benign. Last evaluated: 2023-09-21. Review status: criteria provided, single submitter. Criteria: ACMG Guidelines, 2015. Collection method: clinical testing. Allele origin: germline. Observed: 7 variant alleles.
Comment: BS2, BP4, BP7

Illumina Laboratory Services, Illumina
Classification: Likely benign for Gray platelet syndrome. Last evaluated: 2018-01-13. Review status: criteria provided, single submitter. Criteria: ICSL Variant Classification Criteria 13 December 2019. Collection method: clinical testing. Allele origin: germline.
Comment: This variant was observed in the ICSL laboratory as part of a predisposition screen in an ostensibly healthy population. It had not been previously curated by ICSL or reported in the Human Gene Mutation Database (HGMD: prior to June 1st, 2018), and was therefore a candidate for classification through an automated scoring system. Utilizing variant allele frequency, disease prevalence and penetrance estimates, and inheritance mode, an automated score was calculated to assess if this variant is too frequent to cause the disease. Based on the score and internal cut-off values, a variant classified as likely benign is not then subjected to further curation. The score for this variant resulted in a classification of likely benign for this disease.

Genetic Services Laboratory, University of Chicago
Classification: Uncertain significance. Last evaluated: 2017-01-19. Review status: criteria provided, single submitter. Criteria: ACMG Guidelines, 2015. Collection method: clinical testing. Allele origin: germline. Affected: no.

PreventionGenetics, part of Exact Sciences
Classification: Benign for NBEAL2-related condition. Last evaluated: 2019-06-07. Review status: no assertion criteria provided. Collection method: clinical testing. Allele origin: germline. Not counted in ClinVar's aggregate classification.
Comment: This variant is classified as benign based on ACMG/AMP sequence variant interpretation guidelines (Richards et al. 2015 PMID: 25741868, with internal and published modifications).